The following is an entry in ClinVar:

ClinVar aggregate classification (germline): Conflicting classifications of pathogenicity. Review status: criteria provided, conflicting classifications (1 of 4 stars). 10 submissions from 10 submitters: Uncertain significance (1); Benign (1); Likely benign (6). 2 of the submissions do not count toward it. Last evaluated 2025-12-24.

Conditions:
Connective tissue disorder. Also called: Connective tissue disease. Identifiers: MedGen C0009782, MONDO:0003900.
Familial thoracic aortic aneurysm and aortic dissection (TAAD). Also called: Thoracic aortic aneurysms and dissections. Identifiers: Orphanet 91387, MedGen C4707243, MONDO:0019625.
Aortic aneurysm, familial thoracic 7 (AAT7). Also called: AORTIC DISSECTION, FAMILIAL, WITH OR WITHOUT AORTIC ANEURYSM. Identifiers: MedGen C3151077, MONDO:0013418, OMIM 613780.

Allele frequency attached by ClinVar (database versions not stated): ExAC 0.00008; TOPMed 0.00013; gnomAD 0.00016 and 0.00015; ESP Exome Variant Server 0.00023; gnomAD exomes 0.00010 and 0.00023.
gnomAD v4.1: 353 of 1,612,124 alleles (0.022%); highest among the groups gnomAD compares: East Asian, 0.058%; no homozygotes.

Submissions (10):

Labcorp Genetics (formerly Invitae), Labcorp
Classification: Likely benign for Aortic aneurysm, familial thoracic 7. Last evaluated: 2025-12-24. Review status: criteria provided, single submitter. Criteria: Invitae Variant Classification Sherloc (09022015). Collection method: clinical testing. Allele origin: germline.

Mayo Clinic Laboratories, Mayo Clinic
Classification: Likely benign. Last evaluated: 2025-03-24. Review status: criteria provided, single submitter. Criteria: ACMG Guidelines, 2015. Collection method: clinical testing. Allele origin: germline. Observed: 2 variant alleles.
Comment: BP4, BP7

ARUP Laboratories, Molecular Genetics and Genomics, ARUP Laboratories
Classification: Likely benign. Last evaluated: 2023-08-15. Review status: criteria provided, single submitter. Criteria: ARUP Molecular Germline Variant Investigation Process 2024. Collection method: clinical testing. Allele origin: germline.

Women's Health and Genetics/Laboratory Corporation of America, LabCorp
Classification: Benign. Last evaluated: 2023-06-03. Review status: criteria provided, single submitter. Criteria: LabCorp Variant Classification Summary - May 2015. Collection method: clinical testing. Allele origin: germline.

GeneDx
Classification: Likely benign. Last evaluated: 2020-10-21. Review status: criteria provided, single submitter. Criteria: GeneDx Variant Classification Process June 2021. Collection method: clinical testing. Allele origin: germline. Affected: yes.

Center for Human Genetics, Inc
Classification: Likely benign for Connective tissue disorder. Last evaluated: 2018-06-01. Review status: criteria provided, single submitter. Criteria: ACMG Guidelines, 2015. Collection method: clinical testing. Allele origin: germline. Affected: yes.

Illumina Laboratory Services, Illumina
Classification: Uncertain significance for Aortic aneurysm, familial thoracic 7. Last evaluated: 2018-01-13. Review status: criteria provided, single submitter. Criteria: ICSL Variant Classification Criteria 13 December 2019. Collection method: clinical testing. Allele origin: germline.

Ambry Genetics
Classification: Likely benign for Familial thoracic aortic aneurysm and aortic dissection. Last evaluated: 2015-04-08. Review status: criteria provided, single submitter. Criteria: Ambry Variant Classification Scheme 2023. Collection method: clinical testing. Allele origin: germline.

Genome Diagnostics Laboratory, Amsterdam University Medical Center
Classification: Likely benign. Review status: no assertion criteria provided. Collection method: clinical testing. Allele origin: germline. Affected: yes. Study: VKGL Data-share Consensus. Not counted in ClinVar's aggregate classification.

Genome Diagnostics Laboratory, University Medical Center Utrecht
Classification: Likely benign. Review status: no assertion criteria provided. Collection method: clinical testing. Allele origin: germline. Affected: yes. Study: VKGL Data-share Consensus. Not counted in ClinVar's aggregate classification.

NM_053025.4(MYLK):c.4293G>A (p.Pro1431=)

Gene: MYLK (myosin light chain kinase; minus strand). Cytogenetic location: 3q21.1.
Variant type: single nucleotide variant.
Coding change: c.4293G>A on transcript NM_053025.4 (MANE Select); coding-DNA position 4293, G replaced by A.
Protein change: p.Pro1431=; no amino-acid change (proline 1431 retained).
Molecular consequence: synonymous variant.
Genome position (GRCh38, 1-based): chr3:123,649,190, C>T on the plus strand (G>A on the coding strand, the complement: MYLK is on the minus strand). VCF-style: chr3-123649190-C-T. GRCh37 (hg19) VCF-style: chr3-123368037-C-T.
Other names: p.Pro1431=; c.3765G>A, p.Pro1255= (NM_001321309.2); c.4086G>A, p.Pro1362= (NM_053026.4, NM_053028.4); c.4293G>A, p.Pro1431= (NM_053027.4).
Identifiers: ClinVar variation 263960 (VCV000263960.43), dbSNP rs370153686, ClinGen allele CA071333.